The following is an entry in ClinVar:

ClinVar aggregate classification (germline): Uncertain significance. Review status: criteria provided, multiple submitters, no conflicts (2 of 4 stars). 4 submissions from 4 submitters: Uncertain significance (4). Last evaluated 2025-09-03.

Conditions:
Primary erythromelalgia. Also called: SCN9A Erythromelalgia (SCN9A-EM); primary erythermalgia. Identifiers: Orphanet 306577, Orphanet 90026, MedGen C0014805, MONDO:0007571, OMIM 133020.
Neuropathy, hereditary sensory and autonomic, type 2A (HSAN2A). Also called: HSAN IIA; MORVAN DISEASE; NEUROPATHY, CONGENITAL SENSORY; NEUROPATHY, HEREDITARY SENSORY RADICULAR, AUTOSOMAL RECESSIVE; NEUROPATHY, HEREDITARY SENSORY, TYPE IIA; NEUROPATHY, PROGRESSIVE SENSORY, OF CHILDREN. Identifiers: Orphanet 970, MedGen C2752089, MONDO:0024309, OMIM 201300.
Paroxysmal extreme pain disorder (PEXPD). Also called: PAIN, SUBMANDIBULAR, OCULAR, AND RECTAL, WITH FLUSHING; RECTAL PAIN, FAMILIAL; SCN9A Paroxysmal Extreme Pain Disorder (SCN9A-PEPD). Identifiers: Orphanet 46348, MedGen C1833661, MONDO:0008179, OMIM 167400.
Channelopathy-associated congenital insensitivity to pain, autosomal recessive. Also called: Insensitivity to pain, channelopathy-associated; ASYMBOLIA FOR PAIN; CONGENITAL ANALGESIA, AUTOSOMAL RECESSIVE. Identifiers: Orphanet 88642, Orphanet 970, MedGen C1855739, MONDO:0009459, OMIM 243000.
Inborn genetic diseases. Identifiers: MedGen C0950123, MeSH D030342.
Generalized epilepsy with febrile seizures plus, type 7 (GEFSP7). Also called: GEFS+, TYPE 7. Identifiers: Orphanet 36387, MedGen C2751778, MONDO:0013470, OMIM 613863.

Allele frequency attached by ClinVar (database versions not stated): gnomAD exomes below 0.00001; ExAC 0.00001; gnomAD 0.00002; TOPMed 0.00002; ESP Exome Variant Server 0.00008.
gnomAD v4.1: 22 of 1,614,024 alleles (0.0014%); highest among the groups gnomAD compares: Non-Finnish European, 0.0018%; no homozygotes.

Submissions (4):

Mayo Clinic Laboratories, Mayo Clinic
Classification: Uncertain significance. Last evaluated: 2025-09-03. Review status: criteria provided, single submitter. Criteria: ACMG Guidelines, 2015. Collection method: clinical testing. Allele origin: germline. Observed: 1 variant allele.
Comment: PM2_supporting

Labcorp Genetics (formerly Invitae), Labcorp
Classification: Uncertain significance for Neuropathy, hereditary sensory and autonomic, type 2A; Generalized epilepsy with febrile seizures plus, type 7. Last evaluated: 2024-12-18. Review status: criteria provided, single submitter. Criteria: Invitae Variant Classification Sherloc (09022015). Collection method: clinical testing. Allele origin: germline.
Comment: This sequence change replaces serine, which is neutral and polar, with cysteine, which is neutral and slightly polar, at codon 1792 of the SCN9A protein (p.Ser1792Cys). This variant is present in population databases (rs372311962, gnomAD 0.002%). This variant has not been reported in the literature in individuals affected with SCN9A-related conditions. ClinVar contains an entry for this variant (Variation ID: 570897). Invitae Evidence Modeling of protein sequence and biophysical properties (such as structural, functional, and spatial information, amino acid conservation, physicochemical variation, residue mobility, and thermodynamic stability) indicates that this missense variant is not expected to disrupt SCN9A protein function with a negative predictive value of 95%. In summary, the available evidence is currently insufficient to determine the role of this variant in disease. Therefore, it has been classified as a Variant of Uncertain Significance.

Ambry Genetics
Classification: Uncertain significance for Inborn genetic diseases. Last evaluated: 2023-12-19. Review status: criteria provided, single submitter. Criteria: Ambry Variant Classification Scheme 2023. Collection method: clinical testing. Allele origin: germline.

Fulgent Genetics
Classification: Uncertain significance for Primary erythromelalgia; Paroxysmal extreme pain disorder; Neuropathy, hereditary sensory and autonomic, type 2A; Channelopathy-associated congenital insensitivity to pain, autosomal recessive. Last evaluated: 2022-05-13. Review status: criteria provided, single submitter. Criteria: ACMG Guidelines, 2015. Collection method: clinical testing. Allele origin: unknown.

NM_001365536.1(SCN9A):c.5408C>G (p.Ser1803Cys)

Genes: SCN1A-AS1 (SCN1A and SCN9A antisense RNA 1; plus strand), SCN9A (sodium voltage-gated channel alpha subunit 9; minus strand). Cytogenetic location: 2q24.3.
Variant type: single nucleotide variant.
Coding change: c.5408C>G on transcript NM_001365536.1 (MANE Select); coding-DNA position 5408, C replaced by G.
Protein change: p.Ser1803Cys; replaces serine 1803 with cysteine.
Molecular consequence: missense variant.
Genome position (GRCh38, 1-based): chr2:166,199,231, G>C on the plus strand (C>G on the coding strand, the complement: SCN9A is on the minus strand). VCF-style: chr2-166199231-G-C. GRCh37 (hg19) VCF-style: chr2-167055741-G-C.
Other names: p.Ser1792Cys; c.5375C>G, p.Ser1792Cys (NM_002977.4); short protein forms S1792C, S1803C.
Identifiers: ClinVar variation 570897 (VCV000570897.14), dbSNP rs372311962, ClinGen allele CA1943683.
Genomic context (GRCh38, chr2:166,199,231, plus strand): 5'-AGCTGGACTTTGTTGGGTTTTGCTATGAGAAGAGGAGGATCCAGGGCAGCTGCAAAATCA[G>C]AGAGTTTAGAGAACTCTATAAACTGGGTCGCATCGGGATCAAACTTCTCCCAAACCTCAT-3'
Protein context (NP_001352465.1, residues 1793-1813): ATQFIEFSKL[Ser1803Cys]DFAAALDPPL